The following is an entry in ClinVar:

NM_000092.5(COL4A4):c.4710G>T (p.Glu1570Asp)

Gene: COL4A4 (collagen type IV alpha 4 chain; minus strand). Cytogenetic location: 2q36.3.
Variant type: single nucleotide variant.
Coding change: c.4710G>T on transcript NM_000092.5 (MANE Select); coding-DNA position 4710, G replaced by T.
Protein change: p.Glu1570Asp; replaces glutamic acid 1570 with aspartic acid.
Molecular consequence: missense variant.
Genome position (GRCh38, 1-based): chr2:227,008,117, C>A on the plus strand (G>T on the coding strand, the complement: COL4A4 is on the minus strand). VCF-style: chr2-227008117-C-A. GRCh37 (hg19) VCF-style: chr2-227872833-C-A.
Other names: short protein forms E1570D.
Identifiers: ClinVar variation 3631467 (VCV003631467.2).

ClinVar aggregate classification (germline): Uncertain significance (1 of 4 stars; one submission).

gnomAD v4.1: 15 of 1,613,938 alleles (0.00093%); highest among the groups gnomAD compares: Non-Finnish European, 0.00085%; no homozygotes.

Submission:

Labcorp Genetics (formerly Invitae), Labcorp
Classification: Uncertain significance. Last evaluated: 2025-03-17. Review status: criteria provided, single submitter. Criteria: Invitae Variant Classification Sherloc (09022015). Collection method: clinical testing. Allele origin: germline.
Comment: This sequence change replaces glutamic acid, which is acidic and polar, with aspartic acid, which is acidic and polar, at codon 1570 of the COL4A4 protein (p.Glu1570Asp). This variant is not present in population databases (gnomAD no frequency). This variant has not been reported in the literature in individuals affected with COL4A4-related conditions. Invitae Evidence Modeling of protein sequence and biophysical properties (such as structural, functional, and spatial information, amino acid conservation, physicochemical variation, residue mobility, and thermodynamic stability) has been performed for this missense variant. However, the output from this modeling did not meet the statistical confidence thresholds required to predict the impact of this variant on COL4A4 protein function. In summary, the available evidence is currently insufficient to determine the role of this variant in disease. Therefore, it has been classified as a Variant of Uncertain Significance.